The following is an entry in ClinVar:

NM_182961.4(SYNE1):c.9154T>G (p.Leu3052Val)

Gene: SYNE1 (spectrin repeat containing nuclear envelope protein 1; minus strand). Cytogenetic location: 6q25.2.
Variant type: single nucleotide variant.
Coding change: c.9154T>G on transcript NM_182961.4 (MANE Select); coding-DNA position 9154, T replaced by G.
Protein change: p.Leu3052Val; replaces leucine 3052 with valine.
Molecular consequence: missense variant.
Genome position (GRCh38, 1-based): chr6:152,376,551, A>C on the plus strand (T>G on the coding strand, the complement: SYNE1 is on the minus strand). VCF-style: chr6-152376551-A-C. GRCh37 (hg19) VCF-style: chr6-152697686-A-C.
Other names: c.9175T>G, p.Leu3059Val (NM_033071.5); short protein forms L3052V, L3059V.
Identifiers: ClinVar variation 3390007 (VCV003390007.14).
Genomic context (GRCh38, chr6:152,376,551, plus strand): 5'-CCTTTCGAAATCTTTGCTGTAAAATCTGTTCTTTATTCTGGCAGCCCTTGGATGCTTGCA[A>C]ACAAAGACTGAAAAGGTGACGCAAAAATTTAATGGCAGGAAAAAGCGATAAAGTTGATGA-3'
Protein context (NP_892006.3, residues 3042-3062): GLIKEYNCLC[Leu3052Val]QASKGCQNKE

ClinVar aggregate classification (germline): Uncertain significance (1 of 4 stars; one submission).

Submission:

CeGaT Center for Human Genetics Tuebingen
Classification: Uncertain significance. Last evaluated: 2024-10-01. Review status: criteria provided, single submitter. Criteria: CeGaT Center For Human Genetics Tuebingen Variant Classification Criteria Version 2. Collection method: clinical testing. Allele origin: germline. Affected: yes. Observed: 1 variant allele.
Comment: SYNE1: PM2, BP4